The following is an entry in ClinVar:

NM_001036.6(RYR3):c.1812C>T (p.Leu604=)

Gene: RYR3 (ryanodine receptor 3; plus strand). Cytogenetic location: 15q14.
Variant type: single nucleotide variant.
Coding change: c.1812C>T on transcript NM_001036.6 (MANE Select); coding-DNA position 1812, C replaced by T.
Protein change: p.Leu604=; no amino-acid change (leucine 604 retained).
Molecular consequence: synonymous variant.
Genome position (GRCh38, 1-based): chr15:33,601,442, C>T. VCF-style: chr15-33601442-C-T. GRCh37 (hg19) VCF-style: chr15-33893643-C-T.
Other names: c.1812C>T, p.Leu604= (NM_001243996.4).
Identifiers: ClinVar variation 3026683 (VCV003026683.22), dbSNP rs758088014, ClinGen allele CA268545657.

ClinVar aggregate classification (germline): Likely benign (1 of 4 stars; one submission).

Allele frequency attached by ClinVar (database versions not stated): TOPMed below 0.00001; gnomAD exomes 0.00001.
gnomAD v4.1: 8 of 1,613,064 alleles (0.0005%); highest among the groups gnomAD compares: Non-Finnish European, 0.00068%; no homozygotes.

Submission:

CeGaT Center for Human Genetics Tuebingen
Classification: Likely benign. Last evaluated: 2023-12-01. Review status: criteria provided, single submitter. Criteria: CeGaT Center For Human Genetics Tuebingen Variant Classification Criteria Version 2. Collection method: clinical testing. Allele origin: germline. Affected: yes. Observed: 1 variant allele.
Comment: RYR3: PM2:Supporting, BP4, BP7